The following is an entry in ClinVar:

NM_002049.4(GATA1):c.173C>T (p.Ala58Val)

Gene: GATA1 (GATA binding protein 1; plus strand). Cytogenetic location: Xp11.23.
Variant type: single nucleotide variant.
Coding change: c.173C>T on transcript NM_002049.4 (MANE Select); coding-DNA position 173, C replaced by T.
Protein change: p.Ala58Val; replaces alanine 58 with valine.
Molecular consequence: missense variant.
Genome position (GRCh38, 1-based): chrX:48,791,282, C>T. VCF-style: chrX-48791282-C-T. GRCh37 (hg19) VCF-style: chrX-48649689-C-T.
Other names: c.173C>T (NM_002049.3); short protein forms A58V.
Identifiers: ClinVar variation 1167646 (VCV001167646.15), dbSNP rs782299679, ClinGen allele CA10404548.

ClinVar aggregate classification (germline): Conflicting classifications of pathogenicity. Review status: criteria provided, conflicting classifications (1 of 4 stars). 4 submissions from 4 submitters: Uncertain significance (2); Benign (1); Likely benign (1). Last evaluated 2025-07-23.

Conditions:
GATA1-related disorder. Also called: GATA1-related condition.
Diamond-Blackfan anemia. Also called: Blackfan Diamond syndrome; Aregenerative anemia chronic congenital; Red cell aplasia, pure hereditary; Congenital hypoplastic anemia; Aase syndrome. Identifiers: Orphanet 124, MedGen C1260899, MeSH D029503, MONDO:0015253, HP:0004810.
GATA binding protein 1 related thrombocytopenia with dyserythropoiesis. Also called: GATA1-Related Cytopenia; GATA1-Related X-Linked Cytopenia. Identifiers: MedGen C1845837, MONDO:0100089.

Allele frequency attached by ClinVar (database versions not stated): gnomAD 0.00001 and 0.00005; TOPMed 0.00004; ExAC 0.00016; 1000 Genomes Project 30x 0.00042; 1000 Genomes Project 0.00053.
gnomAD v4.1: 58 of 1,204,982 alleles (0.0048%); highest among the groups gnomAD compares: South Asian, 0.052%; no homozygotes.

Submissions (4):

Labcorp Genetics (formerly Invitae), Labcorp
Classification: Benign for GATA binding protein 1 related thrombocytopenia with dyserythropoiesis; Diamond-Blackfan anemia. Last evaluated: 2025-07-23. Review status: criteria provided, single submitter. Criteria: Invitae Variant Classification Sherloc (09022015). Collection method: clinical testing. Allele origin: germline.

PreventionGenetics, part of Exact Sciences
Classification: Likely benign for GATA1-related condition. Last evaluated: 2024-12-02. Review status: criteria provided, single submitter. Criteria: ACMG Guidelines, 2015. Collection method: clinical testing. Allele origin: germline.
Comment: This variant is classified as likely benign based on ACMG/AMP sequence variant interpretation guidelines (Richards et al. 2015 PMID: 25741868, with internal and published modifications).

Genetic Services Laboratory, University of Chicago
Classification: Uncertain significance. Last evaluated: 2024-04-16. Review status: criteria provided, single submitter. Criteria: ACMG Guidelines, 2015. Collection method: clinical testing. Allele origin: germline. Affected: no.
Comment: DNA sequence analysis of the GATA1 gene demonstrated a sequence change, c.173C>T, in exon 2 that results in an amino acid change, p.Ala58Val. This sequence change does not appear to have been previously described in individuals with GATA1-related disorders. This sequence change has been described in the gnomAD database with a frequency of 0.007% in the overall population (dbSNP rs782299679). The p.Ala58Val change affects a moderately conserved amino acid residue located in a domain of the GATA1 protein that is known to be functional. In-silico pathogenicity prediction tools (SIFT, PolyPhen2, Align GVGD, REVEL) provide contradictory results for the p.Ala58Val substitution. Due to insufficient evidence and the lack of functional studies, the clinical significance of the p.Ala58Val change remains unknown at this time.

Revvity Omics, Revvity
Classification: Uncertain significance. Last evaluated: 2022-09-22. Review status: criteria provided, single submitter. Criteria: ACMG Guidelines, 2015. Collection method: clinical testing. Allele origin: germline.